The following is an entry in ClinVar:

ClinVar aggregate classification (germline): Pathogenic. Review status: criteria provided, multiple submitters, no conflicts (2 of 4 stars). 7 submissions from 7 submitters: Pathogenic (6). 1 of the submissions does not count toward it. Last evaluated 2025-06-08.

Conditions:
TCIRG1-related disorder. Also called: TCIRG1-related condition.
Autosomal recessive osteopetrosis 1. Also called: ALBERS-SCHONBERG DISEASE, AUTOSOMAL RECESSIVE; TCIRG1-Related Autosomal Recessive Osteopetrosis; TCIRG1-Related Osteopetrosis. Identifiers: Orphanet 667, MedGen C1850127, MONDO:0009815, OMIM 259700.

Allele frequency attached by ClinVar (database versions not stated): gnomAD 0.00001; gnomAD exomes 0.00001.
gnomAD v4.1: 11 of 1,613,796 alleles (0.00068%); highest among the groups gnomAD compares: Non-Finnish European, 0.00085%; no homozygotes.

Submissions (7):

Natera, Inc.
Classification: Pathogenic for Infantile malignant osteopetrosis. Last evaluated: 2025-06-08. Review status: criteria provided, single submitter. Criteria: Natera Variant Classification Schema (03/2026). Collection method: clinical testing. Allele origin: germline.
Comment: The c.1276C>T variant in TCIRG1 is a nonsense variant predicted to introduce a stop codon at amino acid 426. This variant is expected to result in nonsense mediated decay, truncation, or a dysfunctional protein product. This variant is rare in the general population with a frequency below the threshold expected for the associated phenotype(s). This variant has been observed in one or more individuals affected with the associated recessive disease, as either homozygous or compound heterozygous with a second variant (PMID: 24101165). Given the available evidence, this variant is classified as Pathogenic.

Baylor Genetics
Classification: Pathogenic for Autosomal recessive osteopetrosis 1. Last evaluated: 2024-03-27. Review status: criteria provided, single submitter. Criteria: ACMG Guidelines, 2015. Collection method: clinical testing. Allele origin: unknown.

Labcorp Genetics (formerly Invitae), Labcorp
Classification: Pathogenic. Last evaluated: 2023-10-14. Review status: criteria provided, single submitter. Criteria: Invitae Variant Classification Sherloc (09022015). Collection method: clinical testing. Allele origin: germline.
Comment: This sequence change creates a premature translational stop signal (p.Arg426*) in the TCIRG1 gene. It is expected to result in an absent or disrupted protein product. Loss-of-function variants in TCIRG1 are known to be pathogenic (PMID: 10888887, 10942435, 11532986, 19448635). This variant is present in population databases (no rsID available, gnomAD 0.01%). This premature translational stop signal has been observed in individual(s) with osteopetrosis (PMID: 22231430, 24101165). ClinVar contains an entry for this variant (Variation ID: 557398). For these reasons, this variant has been classified as Pathogenic.

Clinical Immunology, Karolinska University Hospital
Classification: Pathogenic for Autosomal recessive osteopetrosis 1. Last evaluated: 2023-09-01. Review status: criteria provided, single submitter. Criteria: ACMG Guidelines, 2015. Collection method: clinical testing. Allele origin: germline. Inheritance: Autosomal recessive inheritance. Affected: yes.

Blueprint Genetics
Classification: Pathogenic for TCIRG1-related disorders. Last evaluated: 2021-08-05. Review status: criteria provided, single submitter. Criteria: ACMG Guidelines, 2015. Collection method: clinical testing. Allele origin: germline. Affected: yes. Observed: 1 variant allele.

Neuberg Centre For Genomic Medicine, NCGM
Classification: Pathogenic for Autosomal recessive osteopetrosis 1. Review status: criteria provided, single submitter. Criteria: ACMG Guidelines, 2015. Collection method: clinical testing. Allele origin: germline. Inheritance: Autosomal recessive inheritance. Affected: yes.
Comment: The c.1276C>T (p.Arg426Ter) stop gained variant in TCIRG1 gene has been observed in individual(s) affected with osteopetrosis (Siddaiahgari et al., 2014; Pangrazio et al., 2012). Loss-of-function variants in TCIRG1 are known to be pathogenic (Kornak et al., 2000).This variant is reported with the allele frequency (0.006%) in the gnomAD and novel in 1000 genome database. This variant has been reported to the ClinVar database as Pathogenic. The nucleotide change c.1276C>T in TCIRG1 is predicted as conserved by GERP++ and PhyloP across 100 vertebrates. For these reasons, this variant has been classified as Pathogenic.

Counsyl
Classification: Pathogenic for Autosomal recessive osteopetrosis 1. Last evaluated: 2018-03-23. Review status: no assertion criteria provided. Collection method: clinical testing. Allele origin: unknown. Not counted in ClinVar's aggregate classification.

Literature cited by the submitters: PubMed 24101165 (cited by 3 submitters); PubMed 10888887 (cited by Labcorp Genetics (formerly Invitae), Labcorp); PubMed 10942435 (cited by Labcorp Genetics (formerly Invitae), Labcorp); PubMed 11532986 (cited by Labcorp Genetics (formerly Invitae), Labcorp); PubMed 19448635 (cited by Labcorp Genetics (formerly Invitae), Labcorp); PubMed 22231430 (cited by Labcorp Genetics (formerly Invitae), Labcorp and Counsyl).

NM_006019.4(TCIRG1):c.1276C>T (p.Arg426Ter)

Gene: TCIRG1 (T cell immune regulator 1, ATPase H+ transporting V0 subunit a3; plus strand). Cytogenetic location: 11q13.2.
Variant type: single nucleotide variant.
Coding change: c.1276C>T on transcript NM_006019.4 (MANE Select); coding-DNA position 1276, C replaced by T.
Protein change: p.Arg426Ter; replaces arginine 426 with a stop codon.
Molecular consequence: nonsense.
Genome position (GRCh38, 1-based): chr11:68,047,543, C>T. VCF-style: chr11-68047543-C-T. GRCh37 (hg19) VCF-style: chr11-67815010-C-T.
Other names: c.382C>T, p.Arg128Ter (NM_001351059.2); c.628C>T, p.Arg210Ter (NM_006053.4); short protein forms R426*, R128*, R210*.
Identifiers: ClinVar variation 557398 (VCV000557398.18), dbSNP rs1489993984, ClinGen allele CA381582425.
Genomic context (GRCh38, chr11:68,047,543, plus strand): 5'-GATGTGGGCCACGGGCTGCTCATGTTCCTGTTCGCCCTGGCCATGGTCCTTGCGGAGAAC[C>T]GACCGGCTGTGAAGGCCGCGCAGAACGAGGTGAGGGGCGGGGCTGGGGTCCTGATGAGGG-3'